The following is an entry in ClinVar:

NM_017841.4(SDHAF2):c.16G>C (p.Val6Leu)

Gene: SDHAF2 (succinate dehydrogenase complex assembly factor 2; plus strand). Cytogenetic location: 11q12.2.
Variant type: single nucleotide variant.
Coding change: c.16G>C on transcript NM_017841.4 (MANE Select); coding-DNA position 16, G replaced by C.
Protein change: p.Val6Leu; replaces valine 6 with leucine.
Molecular consequence: missense variant.
Genome position (GRCh38, 1-based): chr11:61,430,162, G>C. VCF-style: chr11-61430162-G-C. GRCh37 (hg19) VCF-style: chr11-61197634-G-C.
Other names: short protein forms V6L.
Identifiers: ClinVar variation 5029240 (VCV005029240.1).
Genomic context (GRCh38, chr11:61,430,162, plus strand): 5'-TCCCGGAAGTGCCCGCGCAGCCGGTTTCCGGTGCAGGTGGGGAAAATGGCGGTGTCTACA[G>C]TGTTCTCGACTTCGTCGCTGGTGAGGAGAGAGAACGTTCTAGCGTCCGGGGCGGGCGGCA-3'
Protein context (NP_060311.1, residues 1-16): MAVST[Val6Leu]FSTSSLMLAL

ClinVar aggregate classification (germline): Uncertain significance (1 of 4 stars; one submission).

Conditions:
Hereditary cancer-predisposing syndrome. Also called: Neoplastic Syndromes, Hereditary; Tumor predisposition; Hereditary neoplastic syndrome; Hereditary Cancer Syndrome. Identifiers: Orphanet 140162, MedGen C0027672, MeSH D009386, MONDO:0015356.

Submission:

Ambry Genetics
Classification: Uncertain significance for Hereditary cancer-predisposing syndrome. Last evaluated: 2026-07-07. Review status: criteria provided, single submitter. Criteria: Ambry Variant Classification Scheme 2023. Collection method: clinical testing. Allele origin: germline.
Comment: The p.V6L variant (also known as c.16G>C), located in coding exon 1 of the SDHAF2 gene, results from a G to C substitution at nucleotide position 16. The valine at codon 6 is replaced by leucine, an amino acid with highly similar properties. This amino acid position is conserved. In addition, this alteration is predicted to be tolerated by in silico analysis. Based on the available evidence, the clinical significance of this variant remains unclear.